The following is an entry in ClinVar:

NM_018163.3(DNAJC17):c.477A>G (p.Arg159=)

Gene: DNAJC17 (DnaJ heat shock protein family (Hsp40) member C17; minus strand). Cytogenetic location: 15q15.1.
Variant type: single nucleotide variant.
Coding change: c.477A>G on transcript NM_018163.3 (MANE Select); coding-DNA position 477, A replaced by G.
Protein change: p.Arg159=; no amino-acid change (arginine 159 retained).
Molecular consequence: synonymous variant.
Genome position (GRCh38, 1-based): chr15:40,776,197, T>C on the plus strand (A>G on the coding strand, the complement: DNAJC17 is on the minus strand). VCF-style: chr15-40776197-T-C. GRCh37 (hg19) VCF-style: chr15-41068395-T-C.
Identifiers: ClinVar variation 3620429 (VCV003620429.2).

ClinVar aggregate classification (germline): Uncertain significance (1 of 4 stars; one submission).

Submission:

Labcorp Genetics (formerly Invitae), Labcorp
Classification: Uncertain significance. Last evaluated: 2024-11-25. Review status: criteria provided, single submitter. Criteria: Invitae Variant Classification Sherloc (09022015). Collection method: clinical testing. Allele origin: germline.
Comment: This sequence change affects codon 159 of the DNAJC17 mRNA. It is a 'silent' change, meaning that it does not change the encoded amino acid sequence of the DNAJC17 protein. It affects a nucleotide within the consensus splice site. This variant is not present in population databases (gnomAD no frequency). This variant has not been reported in the literature in individuals affected with DNAJC17-related conditions. Algorithms developed to predict the effect of sequence changes on RNA splicing suggest that this variant may disrupt the consensus splice site. In summary, the available evidence is currently insufficient to determine the role of this variant in disease. Therefore, it has been classified as a Variant of Uncertain Significance.